The following is an entry in ClinVar:

ClinVar aggregate classification (germline): Likely benign. Review status: criteria provided, multiple submitters, no conflicts (2 of 4 stars). 2 submissions from 2 submitters: Likely benign (2). Last evaluated 2026-07-01.

Conditions:
Charcot-Marie-Tooth disease type 4. Also called: Charcot-Marie-Tooth disease, type IV; Charcot-Marie-Tooth, Type 4. Identifiers: Orphanet 64749, MedGen C4082197, MONDO:0018995.

Submissions (2):

CeGaT Center for Human Genetics Tuebingen
Classification: Likely benign. Last evaluated: 2026-07-01. Review status: criteria provided, single submitter. Criteria: CeGaT Center For Human Genetics Tuebingen Variant Classification Criteria Version 2. Collection method: clinical testing. Allele origin: germline. Affected: yes. Observed: 1 variant allele.
Comment: MTMR2: BP4

Labcorp Genetics (formerly Invitae), Labcorp
Classification: Likely benign for Charcot-Marie-Tooth disease type 4. Last evaluated: 2026-01-28. Review status: criteria provided, single submitter. Criteria: Invitae Variant Classification Sherloc (09022015). Collection method: clinical testing. Allele origin: germline.

NM_016156.6(MTMR2):c.805-4T>G

Gene: MTMR2 (myotubularin related protein 2; minus strand). Cytogenetic location: 11q21.
Variant type: single nucleotide variant.
Coding change: c.805-4T>G on transcript NM_016156.6 (MANE Select); 4 bases into the intron before coding-DNA position 805, T replaced by G.
Molecular consequence: intron variant.
Genome position (GRCh38, 1-based): chr11:95,849,866, A>C on the plus strand (T>G on the coding strand, the complement: MTMR2 is on the minus strand). VCF-style: chr11-95849866-A-C. GRCh37 (hg19) VCF-style: chr11-95583030-A-C.
Other names: c.589-4T>G (NM_201281.3, NM_201278.3, NM_001243571.2).
Identifiers: ClinVar variation 2183415 (VCV002183415.5), dbSNP rs769400773, ClinGen allele CA6240195.